The following is an entry in ClinVar:

ClinVar aggregate classification (germline): Uncertain significance. Review status: criteria provided, multiple submitters, no conflicts (2 of 4 stars). 5 submissions from 4 submitters: Uncertain significance (3). 2 of the submissions do not count toward it. Last evaluated 2026-09-08.

Conditions:
Fabry disease. Also called: ALPHA-GALACTOSIDASE A DEFICIENCY; ANDERSON-FABRY DISEASE; CERAMIDE TRIHEXOSIDASE DEFICIENCY; Fabry's disease; Angiokeratoma corporis diffusum; Ceramide trihexosidosis. Identifiers: Orphanet 324, MedGen C0002986, MONDO:0010526, OMIM 301500, HP:0001071. Disease mechanism: loss of function, Fabry disease is due to inactivating mutations in the X-linked GLA gene resulting in deficiency of the enzyme Alpha Galactosidase-A..
Migalastat response. Also called: 1-Deoxygalactonojirimycin response; Galafold response. Identifiers: MedGen CN233149.

Allele frequency attached by ClinVar (database versions not stated): TOPMed 0.00001.

Submissions (5):

Genomenon, Inc
Classification: Uncertain significance for Fabry disease. Last evaluated: 2026-09-08. Review status: criteria provided, single submitter. Criteria: Genomenon Sequence Variant Interpretation Standards - Updated. Collection method: curation. Allele origin: germline. Affected: no.
Comment: GLA p.Asn228Ser (c.683A>G) is a missense variant that changes the amino acid at codon 228 from Asparagine to Serine. This variant has been reported in the published literature (PMID:26070511;32995357;26415523;31996269;32023956;31036492;27657681). It is absent or not present at a significant frequency in gnomAD. In silico models predict that this variant is possibly or probably damaging. In conclusion, we classify GLA p.Asn228Ser (c.683A>G) as a variant of uncertain significance.

Blueprint Genetics
Classification: Uncertain significance. Last evaluated: 2024-03-25. Review status: criteria provided, single submitter. Criteria: ACMG Guidelines, 2015. Collection method: clinical testing. Allele origin: germline.

Labcorp Genetics (formerly Invitae), Labcorp
Classification: Uncertain significance for Fabry disease. Last evaluated: 2023-08-10. Review status: criteria provided, single submitter. Criteria: Invitae Variant Classification Sherloc (09022015). Collection method: clinical testing. Allele origin: germline.
Comment: ClinVar contains an entry for this variant (Variation ID: 217395). This sequence change replaces asparagine, which is neutral and polar, with serine, which is neutral and polar, at codon 228 of the GLA protein (p.Asn228Ser). This variant is not present in population databases (gnomAD no frequency). This missense change has been observed in individual(s) with clinical features of Fabry disease (PMID: 26070511, 31996269). Advanced modeling of protein sequence and biophysical properties (such as structural, functional, and spatial information, amino acid conservation, physicochemical variation, residue mobility, and thermodynamic stability) performed at Invitae indicates that this missense variant is not expected to disrupt GLA protein function. Experimental studies are conflicting or provide insufficient evidence to determine the effect of this variant on GLA function (PMID: 26415523). In summary, the available evidence is currently insufficient to determine the role of this variant in disease. Therefore, it has been classified as a Variant of Uncertain Significance.

Albrecht-Kossel-Institute, Medical University Rostock
Classification: Uncertain significance for Fabry's disease. Last evaluated: 2014-01-01. Review status: no assertion criteria provided. Collection method: research. Allele origin: inherited. Not counted in ClinVar's aggregate classification.

Albrecht-Kossel-Institute, Medical University Rostock
Classification: drug response for deoxygalactonojirimycin response. Last evaluated: 2014-01-01. Review status: no assertion criteria provided. Collection method: research. Allele origin: inherited. Not counted in ClinVar's aggregate classification.

Literature cited by the submitters: PubMed 26070511 (cited by Genomenon, Inc and Labcorp Genetics (formerly Invitae), Labcorp); PubMed 32995357 (cited by Genomenon, Inc); PubMed 26415523 (cited by 3 submitters); PubMed 31996269 (cited by Genomenon, Inc and Labcorp Genetics (formerly Invitae), Labcorp); PubMed 32023956 (cited by Genomenon, Inc); PubMed 31036492 (cited by Genomenon, Inc); PubMed 27657681 (cited by Genomenon, Inc).

NM_000169.3(GLA):c.683A>G (p.Asn228Ser)

Genes: GLA (galactosidase alpha; minus strand), RPL36A-HNRNPH2 (RPL36A-HNRNPH2 readthrough; plus strand). Cytogenetic location: Xq22.1.
Variant type: single nucleotide variant.
Coding change: c.683A>G on transcript NM_000169.3 (MANE Select); coding-DNA position 683, A replaced by G.
Protein change: p.Asn228Ser; replaces asparagine 228 with serine.
Molecular consequence: missense variant. On other transcripts: non-coding transcript variant (3), intron variant (2).
Genome position (GRCh38, 1-based): chrX:101,398,903, T>C on the plus strand (A>G on the coding strand, the complement: GLA is on the minus strand). VCF-style: chrX-101398903-T-C. GRCh37 (hg19) VCF-style: chrX-100653891-T-C.
Other names: c.806A>G, p.Asn269Ser (NM_001406747.1); c.683A>G, p.Asn228Ser (NM_001406748.1); c.300+3446T>C (NM_001199973.2); c.177+7081T>C (NM_001199974.2); short protein forms N228S, N269S.
Identifiers: ClinVar variation 217395 (VCV000217395.8), dbSNP rs869312152, ClinGen allele CA353035.
Genomic context (GRCh38, chrX:101,398,903, plus strand): 5'-AAAGATGTCCAGTCCAAGATACTCTTTATACTTTTCCAGGAATCATCAATGTCAGCAAAA[T>C]TTCGCCAGTGATTGCAGTACTGTCGGATTTCTGTATAATTGGGCTGTGAAAACAGATATG-3'
Protein context (NP_000160.1, residues 218-238): EIRQYCNHWR[Asn228Ser]FADIDDSWKS